The following is an entry in ClinVar:

ClinVar aggregate classification (germline): Pathogenic (1 of 4 stars; one submission).

Submission:

Athena Diagnostics
Classification: Pathogenic. Last evaluated: 2025-03-24. Review status: criteria provided, single submitter. Criteria: Athena Diagnostics Criteria. Collection method: clinical testing. Allele origin: unknown.
Comment: This variant is expected to result in the loss of a functional protein. Similar deletions of exons 53-55 of the DMD gene have not been reported in large, multi-ethnic general populations (Genome Aggregation Database (gnomAD), Cambridge, MA (URL)). Multiple unrelated individuals with Duchenne muscular dystrophy (DMD) have been reported with similar deletions of exons 53-55.

Literature cited by the submitters: PubMed 23299919; PubMed 33644936; PubMed 31139960; PubMed 31443951; PubMed 31381525; PubMed 31404137; PubMed 34149409; PubMed 35501714; PubMed 36315559; PubMed 36361501; PubMed 36641684; PubMed 38850354; PubMed 39198981; PubMed 18663755; PubMed 18752307; PubMed 19927354; PubMed 15643612; PubMed 17854090; PubMed 17561468; PubMed 15684864; PubMed 17253928; PubMed 17259292; PubMed 19937601; PubMed 28610567; PubMed 28116794; PubMed 27750387.

Single allele

Gene: DMD (dystrophin; minus strand). Cytogenetic location: Xp21.1.
Variant type: Deletion.
Identifiers: ClinVar variation 4682463 (VCV004682463.1).